The following is an entry in ClinVar:

ClinVar aggregate classification (germline): Likely benign. Review status: criteria provided, multiple submitters, no conflicts (2 of 4 stars). 3 submissions from 3 submitters: Likely benign (2). 1 of the submissions does not count toward it. Last evaluated 2025-05-26.

Conditions:
Hypertrophic cardiomyopathy. Also called: HYPERTROPHIC MYOCARDIOPATHY. Identifiers: Orphanet 217569, MedGen C0007194, MeSH D002312, MONDO:0005045, HP:0001639.
MYOM1-related disorder.

Allele frequency attached by ClinVar (database versions not stated): ExAC 0.00001.
gnomAD v4.1: 18 of 1,611,924 alleles (0.0011%); highest among the groups gnomAD compares: Non-Finnish European, 0.0014%; no homozygotes.

Submissions (3):

Labcorp Genetics (formerly Invitae), Labcorp
Classification: Likely benign for Hypertrophic cardiomyopathy. Last evaluated: 2025-05-26. Review status: criteria provided, single submitter. Criteria: Invitae Variant Classification Sherloc (09022015). Collection method: clinical testing. Allele origin: germline.

Ambry Genetics
Classification: Likely benign. Last evaluated: 2023-10-05. Review status: criteria provided, single submitter. Criteria: Ambry Variant Classification Scheme 2023. Collection method: clinical testing. Allele origin: germline.

PreventionGenetics, part of Exact Sciences
Classification: Likely benign for MYOM1-related condition. Last evaluated: 2023-04-04. Review status: no assertion criteria provided. Collection method: clinical testing. Allele origin: germline. Not counted in ClinVar's aggregate classification.
Comment: This variant is classified as likely benign based on ACMG/AMP sequence variant interpretation guidelines (Richards et al. 2015 PMID: 25741868, with internal and published modifications).

NM_003803.4(MYOM1):c.2988C>T (p.Tyr996=)

Gene: MYOM1 (myomesin 1; minus strand). Cytogenetic location: 18p11.31.
Variant type: single nucleotide variant.
Coding change: c.2988C>T on transcript NM_003803.4 (MANE Select); coding-DNA position 2988, C replaced by T.
Protein change: p.Tyr996=; no amino-acid change (tyrosine 996 retained).
Molecular consequence: synonymous variant.
Genome position (GRCh38, 1-based): chr18:3,126,704, G>A on the plus strand (C>T on the coding strand, the complement: MYOM1 is on the minus strand). VCF-style: chr18-3126704-G-A. GRCh37 (hg19) VCF-style: chr18-3126702-G-A.
Other names: c.2700C>T, p.Tyr900= (NM_019856.2).
Identifiers: ClinVar variation 795212 (VCV000795212.11), dbSNP rs756218034, ClinGen allele CA8874483.
Genomic context (GRCh38, chr18:3,126,704, plus strand): 5'-GTGCAAGCATAGCGTCATACATAGGACACGCCACACTACAGAAAGTCACGTGCTTACCTT[G>A]TATGCCTCCTCACTGACAGCCTTGACATTGGCTTCTCTCCATTTTCCTGGTACCCCATCA-3'
Protein context (NP_003794.3, residues 986-1006): ANVKAVSEEA[Tyr996=]KISNLKENMV